The following is an entry in ClinVar:

ClinVar aggregate classification (germline): Conflicting classifications of pathogenicity. Review status: criteria provided, conflicting classifications (1 of 4 stars). 6 submissions from 6 submitters: Uncertain significance (4); Likely benign (2). Last evaluated 2025-10-30.

Conditions:
Breast-ovarian cancer, familial, susceptibility to, 1 (BROVCA1). Also called: BRCA1 Hereditary Breast and Ovarian Cancer; OVARIAN CANCER, SUSCEPTIBILITY TO. Identifiers: Orphanet 145, MedGen C2676676, MONDO:0011450, OMIM 604370. Disease mechanism: loss of function.
Hereditary cancer-predisposing syndrome. Also called: Tumor predisposition; Hereditary Cancer Syndrome; Hereditary neoplastic syndrome; Neoplastic Syndromes, Hereditary. Identifiers: Orphanet 140162, MedGen C0027672, MeSH D009386, MONDO:0015356.
Hereditary breast ovarian cancer syndrome. Also called: Hereditary breast and ovarian cancer syndrome; Hereditary breast and ovarian cancer syndrome (HBOC); Breast and ovarian cancer; Hereditary breast and ovarian cancer; Hereditary breast and/or ovarian cancer syndrome; BRCA1- and BRCA2-Associated Hereditary Breast and Ovarian Cancer. Identifiers: Orphanet 145, MedGen C0677776, MeSH D061325, MONDO:0003582. Disease mechanism: loss of function.

Allele frequency attached by ClinVar (database versions not stated): gnomAD exomes below 0.00001.
gnomAD v4.1: 1 of 1,613,944 alleles (0.000062%); highest among the groups gnomAD compares: Non-Finnish European, 0.000085%; no homozygotes.

Submissions (6):

Ambry Genetics
Classification: Uncertain significance for Hereditary cancer-predisposing syndrome. Last evaluated: 2025-10-30. Review status: criteria provided, single submitter. Criteria: Ambry Variant Classification Scheme 2023. Collection method: clinical testing. Allele origin: germline.
Comment: The p.P659R variant (also known as c.1976C>G), located in coding exon 9 of the BRCA1 gene, results from a C to G substitution at nucleotide position 1976. The proline at codon 659 is replaced by arginine, an amino acid with dissimilar properties. This amino acid position is not well conserved in available vertebrate species. In addition, the in silico prediction for this alteration is inconclusive. Since supporting evidence is limited at this time, the clinical significance of this alteration remains unclear.

Labcorp Genetics (formerly Invitae), Labcorp
Classification: Uncertain significance for Hereditary breast ovarian cancer syndrome. Last evaluated: 2025-03-19. Review status: criteria provided, single submitter. Criteria: Invitae Variant Classification Sherloc (09022015). Collection method: clinical testing. Allele origin: germline.
Comment: This sequence change replaces proline, which is neutral and non-polar, with arginine, which is basic and polar, at codon 659 of the BRCA1 protein (p.Pro659Arg). This variant is not present in population databases (gnomAD no frequency). This variant has not been reported in the literature in individuals affected with BRCA1-related conditions. ClinVar contains an entry for this variant (Variation ID: 1004775). Invitae Evidence Modeling of protein sequence and biophysical properties (such as structural, functional, and spatial information, amino acid conservation, physicochemical variation, residue mobility, and thermodynamic stability) indicates that this missense variant is not expected to disrupt BRCA1 protein function with a negative predictive value of 80%. In summary, the available evidence is currently insufficient to determine the role of this variant in disease. Therefore, it has been classified as a Variant of Uncertain Significance.

GeneDx
Classification: Uncertain significance. Last evaluated: 2024-07-17. Review status: criteria provided, single submitter. Criteria: GeneDx Variant Classification Process June 2021. Collection method: clinical testing. Allele origin: germline. Affected: yes.
Comment: Not observed at significant frequency in large population cohorts (gnomAD); In silico analysis supports that this missense variant has a deleterious effect on protein structure/function; Has not been previously published as pathogenic or benign to our knowledge; Also known as 2095C>G; This variant is associated with the following publications: (PMID: 15343273)

Myriad Genetics, Inc.
Classification: Likely benign for Breast-ovarian cancer, familial, susceptibility to, 1. Last evaluated: 2023-09-29. Review status: criteria provided, single submitter. Criteria: Myriad Autosomal Dominant, Autosomal Recessive and X-Linked Classification Criteria (2023). Collection method: clinical testing. Allele origin: unknown.
Comment: This variant is considered likely benign. This variant is strongly associated with less severe personal and family histories of cancer, typical for individuals without pathogenic variants in this gene [PMID: 25085752].

All of Us Research Program, National Institutes of Health
Classification: Uncertain significance for Breast-ovarian cancer, familial, susceptibility to, 1. Last evaluated: 2023-03-23. Review status: criteria provided, single submitter. Criteria: ACMG Guidelines, 2015. Collection method: clinical testing. Allele origin: germline. Inheritance: Autosomal dominant inheritance. Observed: 2 variant alleles, 2 heterozygotes.
Comment: This missense variant replaces proline with arginine at codon 659 of the BRCA1 protein. Computational prediction is inconclusive regarding the impact of this variant on protein structure and function (internally defined REVEL score threshold 0.5 < inconclusive < 0.7, PMID: 27666373). To our knowledge, functional studies have not been reported for this variant. This variant has not been reported in individuals affected with BRCA1-related disorders in the literature. This variant has not been identified in the general population by the Genome Aggregation Database (gnomAD). The available evidence is insufficient to determine the role of this variant in disease conclusively. Therefore, this variant is classified as a Variant of Uncertain Significance.

This study involves interpretation of variants in research participants for the purpose of population health screening. Participant phenotype was not available at the time of variant classification. Additional details can be found in publication PMID: 35346344, PMCID: PMC8962531

University of Washington Department of Laboratory Medicine, University of Washington
Classification: Likely benign for Hereditary cancer-predisposing syndrome. Last evaluated: 2023-03-23. Review status: criteria provided, single submitter. Criteria: Dines et al. (Genet Med. 2020). Collection method: curation. Allele origin: germline.
Comment: Missense variant in a coldspot region where missense variants are very unlikely to be pathogenic (PMID:31911673).

BRCA1 coldspot (exon 11 using historical exon numbering). Reclassification based on statistical prior probability

Literature cited by the submitters: PubMed 25085752 (cited by Myriad Genetics, Inc.).

NM_007294.4(BRCA1):c.1976C>G (p.Pro659Arg)

Gene: BRCA1 (BRCA1 DNA repair associated; minus strand). Cytogenetic location: 17q21.31.
Variant type: single nucleotide variant.
Coding change: c.1976C>G on transcript NM_007294.4 (MANE Select); coding-DNA position 1976, C replaced by G.
Protein change: p.Pro659Arg; replaces proline 659 with arginine.
Molecular consequence: missense variant. On other transcripts: intron variant (137).
Genome position (GRCh38, 1-based): chr17:43,093,555, G>C on the plus strand (C>G on the coding strand, the complement: BRCA1 is on the minus strand). VCF-style: chr17-43093555-G-C. GRCh37 (hg19) VCF-style: chr17-41245572-G-C.
Other names: c.1835C>G, p.Pro612Arg (NM_001407728.1, NM_001407729.1, NM_001407730.1 and 29 more transcripts); c.1832C>G, p.Pro611Arg (NM_001407745.1, NM_001407746.1, NM_001407747.1 and 20 more transcripts); c.1763C>G, p.Pro588Arg (NM_001407853.1, NM_001407894.1, NM_001407895.1 and 9 more transcripts); c.1976C>G, p.Pro659Arg (NM_001407854.1, NM_001407858.1, NM_001407859.1 and 30 more transcripts); c.1973C>G, p.Pro658Arg (NM_001407860.1, NM_001407861.1, NM_001407587.1 and 22 more transcripts); c.1766C>G, p.Pro589Arg (NM_001407887.1, NM_001407889.1, NM_001407900.1 and 13 more transcripts); c.1853C>G, p.Pro618Arg (NM_001407919.1, NM_001407937.1, NM_001407938.1 and 19 more transcripts); c.1712C>G, p.Pro571Arg (NM_001407920.1, NM_001407921.1, NM_001407922.1 and 9 more transcripts); and 40 more; short protein forms P612R, P659R, P611R, P618R, P633R, P656R, P363R, P491R.
Identifiers: ClinVar variation 1004775 (VCV001004775.16), dbSNP rs1258526903, ClinGen allele CA10598062.